The following is an entry in ClinVar:

NM_003172.4(SURF1):c.202C>T (p.Leu68Phe)

Gene: SURF1 (SURF1 cytochrome c oxidase assembly factor; minus strand). Cytogenetic location: 9q34.2.
Variant type: single nucleotide variant.
Coding change: c.202C>T on transcript NM_003172.4 (MANE Select); coding-DNA position 202, C replaced by T.
Protein change: p.Leu68Phe; replaces leucine 68 with phenylalanine.
Molecular consequence: missense variant. On other transcripts: 5 prime UTR variant (1).
Genome position (GRCh38, 1-based): chr9:133,354,862, G>A on the plus strand (C>T on the coding strand, the complement: SURF1 is on the minus strand). VCF-style: chr9-133354862-G-A. GRCh37 (hg19) VCF-style: chr9-136221717-G-A.
Other names: c.-126C>T (NM_001280787.1); short protein forms L68F.
Identifiers: ClinVar variation 2991947 (VCV002991947.3), dbSNP rs1208625545, ClinGen allele CA375694791.
Genomic context (GRCh38, chr9:133,354,862, plus strand): 5'-CACACCAGATGCCGGTCTTTACCTGCCATGTCCCCAAGCCAAAGGCAGTCACAGGGATGA[G>A]GAGCAGGACCCACTGAAGAAAGGAGTCATCTTCCGCTTTTGTGGCAGATGCTTCTGCTGC-3'
Protein context (NP_003163.1, residues 58-78): DDSFLQWVLL[Leu68Phe]IPVTAFGLGT

ClinVar aggregate classification (germline): Uncertain significance (1 of 4 stars; one submission).

Conditions:
Leigh syndrome (NULS). Also called: Leigh's necrotizing encephalopathy; Leigh's disease; Leigh Syndrome (mtDNA deletion); Leigh's syndrome; LEIGH SYNDROME, NUCLEAR; Leigh Disease. Identifiers: Orphanet 506, MedGen C2931891, MONDO:0009723, OMIM 256000.

Allele frequency attached by ClinVar (database versions not stated): gnomAD exomes 0.00001.

Submission:

Labcorp Genetics (formerly Invitae), Labcorp
Classification: Uncertain significance for Leigh syndrome. Last evaluated: 2023-12-08. Review status: criteria provided, single submitter. Criteria: Invitae Variant Classification Sherloc (09022015). Collection method: clinical testing. Allele origin: germline.
Comment: This sequence change replaces leucine, which is neutral and non-polar, with phenylalanine, which is neutral and non-polar, at codon 68 of the SURF1 protein (p.Leu68Phe). This variant is present in population databases (no rsID available, gnomAD 0.0009%). This variant has not been reported in the literature in individuals affected with SURF1-related conditions. Advanced modeling of protein sequence and biophysical properties (such as structural, functional, and spatial information, amino acid conservation, physicochemical variation, residue mobility, and thermodynamic stability) performed at Invitae indicates that this missense variant is not expected to disrupt SURF1 protein function with a negative predictive value of 80%. In summary, the available evidence is currently insufficient to determine the role of this variant in disease. Therefore, it has been classified as a Variant of Uncertain Significance.